The following is an entry in ClinVar:

NM_020778.5(ALPK3):c.3196C>T (p.Pro1066Ser)

Gene: ALPK3 (alpha kinase 3; plus strand). Cytogenetic location: 15q25.3.
Variant type: single nucleotide variant.
Coding change: c.3196C>T on transcript NM_020778.5 (MANE Select); coding-DNA position 3196, C replaced by T.
Protein change: p.Pro1066Ser; replaces proline 1066 with serine.
Molecular consequence: missense variant.
Genome position (GRCh38, 1-based): chr15:84,857,934, C>T. VCF-style: chr15-84857934-C-T. GRCh37 (hg19) VCF-style: chr15-85401165-C-T.
Other names: short protein forms P1066S.
Identifiers: ClinVar variation 1735078 (VCV001735078.2), dbSNP rs139722212, ClinGen allele CA7709575.
Genomic context (GRCh38, chr15:84,857,934, plus strand): 5'-CGTGAGGTGCAGGCTGGCCGCCAGGCCCTTGCTGCTGCCCGAGGCTCCTGGGGTCCTGGT[C>T]CCAGCTCCCTCACTGTCCCTGCCATTGTGGTAGACGAGGAGGACCCTGGGCTGGCCTCAG-3'
Protein context (NP_065829.4, residues 1056-1076): AAARGSWGPG[Pro1066Ser]SSLTVPAIVV

ClinVar aggregate classification (germline): Uncertain significance (1 of 4 stars; one submission).

Conditions:
Cardiovascular phenotype. Identifiers: MedGen CN230736.

Allele frequency attached by ClinVar (database versions not stated): ESP Exome Variant Server 0.00008.
gnomAD v4.1: 1 of 1,609,748 alleles (0.000062%); highest among the groups gnomAD compares: African/African-American, 0.0013%; no homozygotes.

Submission:

Ambry Genetics
Classification: Uncertain significance for Cardiovascular phenotype. Last evaluated: 2021-09-09. Review status: criteria provided, single submitter. Criteria: Ambry Variant Classification Scheme 2023. Collection method: clinical testing. Allele origin: germline.
Comment: The p.P1268S variant (also known as c.3802C>T), located in coding exon 6 of the ALPK3 gene, results from a C to T substitution at nucleotide position 3802. The proline at codon 1268 is replaced by serine, an amino acid with similar properties. This amino acid position is conserved. In addition, this alteration is predicted to be tolerated by in silico analysis. Since supporting evidence is limited at this time, the clinical significance of this alteration remains unclear.